The following is an entry in ClinVar:

NM_000245.4(MET):c.836T>C (p.Ile279Thr)

Gene: MET (MET proto-oncogene, receptor tyrosine kinase; plus strand). Cytogenetic location: 7q31.2.
Variant type: single nucleotide variant.
Coding change: c.836T>C on transcript NM_000245.4 (MANE Select); coding-DNA position 836, T replaced by C.
Protein change: p.Ile279Thr; replaces isoleucine 279 with threonine.
Molecular consequence: missense variant. On other transcripts: intron variant (1).
Genome position (GRCh38, 1-based): chr7:116,699,920, T>C. VCF-style: chr7-116699920-T-C. GRCh37 (hg19) VCF-style: chr7-116339974-T-C.
Other names: c.836T>C, p.Ile279Thr (NM_001127500.3, NM_001324401.3); c.-91+27343T>C (NM_001324402.2); short protein forms I279T.
Identifiers: ClinVar variation 1508777 (VCV001508777.10), dbSNP rs2116599173, ClinGen allele CA368969957.

ClinVar aggregate classification (germline): Uncertain significance. Review status: criteria provided, multiple submitters, no conflicts (2 of 4 stars). 2 submissions from 2 submitters: Uncertain significance (2). Last evaluated 2021-07-15.

Conditions:
Renal cell carcinoma. Identifiers: Orphanet 217071, MedGen C0007134, MeSH D002292, MONDO:0005086, HP:0005584.
Hereditary cancer-predisposing syndrome. Also called: Hereditary neoplastic syndrome; Neoplastic Syndromes, Hereditary; Tumor predisposition; Hereditary Cancer Syndrome. Identifiers: Orphanet 140162, MedGen C0027672, MeSH D009386, MONDO:0015356.

Submissions (2):

Ambry Genetics
Classification: Uncertain significance for Hereditary cancer-predisposing syndrome. Last evaluated: 2021-07-15. Review status: criteria provided, single submitter. Criteria: Ambry Variant Classification Scheme 2023. Collection method: clinical testing. Allele origin: germline.
Comment: The p.I279T variant (also known as c.836T>C), located in coding exon 1 of the MET gene, results from a T to C substitution at nucleotide position 836. The isoleucine at codon 279 is replaced by threonine, an amino acid with similar properties. This amino acid position is not well conserved in available vertebrate species. In addition, this alteration is predicted to be tolerated by in silico analysis. Since supporting evidence is limited at this time, the clinical significance of this alteration remains unclear.

Labcorp Genetics (formerly Invitae), Labcorp
Classification: Uncertain significance for Renal cell carcinoma. Last evaluated: 2021-02-10. Review status: criteria provided, single submitter. Criteria: Invitae Variant Classification Sherloc (09022015). Collection method: clinical testing. Allele origin: germline.
Comment: In summary, the available evidence is currently insufficient to determine the role of this variant in disease. Therefore, it has been classified as a Variant of Uncertain Significance. Algorithms developed to predict the effect of missense changes on protein structure and function are either unavailable or do not agree on the potential impact of this missense change (SIFT: "Deleterious"; PolyPhen-2: "Possibly Damaging"; Align-GVGD: "Class C0"). This variant has not been reported in the literature in individuals with MET-related conditions. This variant is not present in population databases (ExAC no frequency). This sequence change replaces isoleucine with threonine at codon 279 of the MET protein (p.Ile279Thr). The isoleucine residue is moderately conserved and there is a moderate physicochemical difference between isoleucine and threonine.